The following is an entry in ClinVar:

NM_022340.4(RBSN):c.1273G>A (p.Gly425Arg)

Gene: RBSN (rabenosyn, RAB effector; minus strand). Cytogenetic location: 3p25.1.
Variant type: single nucleotide variant.
Coding change: c.1273G>A on transcript NM_022340.4 (MANE Select); coding-DNA position 1273, G replaced by A.
Protein change: p.Gly425Arg; replaces glycine 425 with arginine.
Molecular consequence: missense variant.
Genome position (GRCh38, 1-based): chr3:15,074,864, C>T on the plus strand (G>A on the coding strand, the complement: RBSN is on the minus strand). VCF-style: chr3-15074864-C-T. GRCh37 (hg19) VCF-style: chr3-15116371-C-T.
Other names: c.1273G>A, p.Gly425Arg (NM_001302378.2); short protein forms G425R.
Identifiers: ClinVar variation 156371 (VCV000156371.27), dbSNP rs144008665, ClinGen allele CA233214.
Genomic context (GRCh38, chr3:15,074,864, plus strand): 5'-GGAGCCAGCCCTCAGCCTTTCTCAAGGGGGCAGGGCCCCTGCGGAGAGATGCCACCTCCC[C>T]GTTGGCCGCTCGAGAAGCCAGGCCACTCTGCCTTTCCTCAAGCCTTCGCTGGGACTCCAG-3'
Protein context (NP_071735.2, residues 415-435): QSGLASRAAN[Gly425Arg]EVASLRRGPA

ClinVar aggregate classification (germline): Conflicting classifications of pathogenicity. Review status: criteria provided, conflicting classifications (1 of 4 stars). 3 submissions from 3 submitters: Uncertain significance (1); Likely benign (1). 1 of the submissions does not count toward it. Last evaluated 2026-09-01.

Allele frequency attached by ClinVar (database versions not stated): 1000 Genomes Project 0.00260; TOPMed 0.00309; 1000 Genomes Project 30x 0.00328; ESP Exome Variant Server 0.00361; gnomAD 0.00393 and 0.00405; gnomAD exomes 0.00465; ExAC 0.00552.
gnomAD v4.1: 8,493 of 1,614,112 alleles (0.53%); highest among the groups gnomAD compares: Middle Eastern, 1.3%; 38 homozygotes.

Submissions (3):

CeGaT Center for Human Genetics Tuebingen
Classification: Likely benign. Last evaluated: 2026-09-01. Review status: criteria provided, single submitter. Criteria: CeGaT Center For Human Genetics Tuebingen Variant Classification Criteria Version 2. Collection method: clinical testing. Allele origin: germline. Affected: yes. Observed: 16 variant alleles.
Comment: RBSN: BS2

Breakthrough Genomics
Classification: Uncertain significance. Review status: criteria provided, single submitter. Criteria: ACMG Guidelines, 2015. Collection method: not provided. Allele origin: germline. Inheritance: Unknown mechanism. Affected: yes.

OMIM
Classification: Uncertain significance for VARIANT OF UNKNOWN SIGNIFICANCE. Last evaluated: 2014-09-20. Review status: no assertion criteria provided. Collection method: literature only. Allele origin: germline. Not counted in ClinVar's aggregate classification.

Literature cited by the submitters: PubMed 25233840 (cited by OMIM).